The following is an entry in ClinVar:

NM_004044.7(ATIC):c.1139C>T (p.Thr380Ile)

Gene: ATIC (5-aminoimidazole-4-carboxamide ribonucleotide formyltransferase/IMP cyclohydrolase; plus strand). Cytogenetic location: 2q35.
Variant type: single nucleotide variant.
Coding change: c.1139C>T on transcript NM_004044.7 (MANE Select); coding-DNA position 1139, C replaced by T.
Protein change: p.Thr380Ile; replaces threonine 380 with isoleucine.
Molecular consequence: missense variant.
Genome position (GRCh38, 1-based): chr2:215,338,819, C>T. VCF-style: chr2-215338819-C-T. GRCh37 (hg19) VCF-style: chr2-216203542-C-T.
Other names: c.1139C>T (NM_004044.6); short protein forms T380I.
Identifiers: ClinVar variation 2713260 (VCV002713260.2), dbSNP rs111571378, ClinGen allele CA2093228.

ClinVar aggregate classification (germline): Uncertain significance. Review status: criteria provided, multiple submitters, no conflicts (2 of 4 stars). 2 submissions from 2 submitters: Uncertain significance (2). Last evaluated 2026-04-20.

Allele frequency attached by ClinVar (database versions not stated): gnomAD exomes 0.00004; gnomAD 0.00049; 1000 Genomes Project 0.00020; 1000 Genomes Project 30x 0.00016; ESP Exome Variant Server 0.00077; ExAC 0.00011; TOPMed 0.00056.
gnomAD v4.1: 129 of 1,613,824 alleles (0.008%); highest among the groups gnomAD compares: African/African-American, 0.16%; 1 homozygote.

Submissions (2):

GeneDx
Classification: Uncertain significance. Last evaluated: 2026-04-20. Review status: criteria provided, single submitter. Criteria: GeneDx Variant Classification Process June 2021. Collection method: clinical testing. Allele origin: germline.
Comment: In silico analysis supports that this missense variant has a deleterious effect on protein structure/function; Has not been previously published as pathogenic or benign to our knowledge

Labcorp Genetics (formerly Invitae), Labcorp
Classification: Uncertain significance. Last evaluated: 2023-10-15. Review status: criteria provided, single submitter. Criteria: Invitae Variant Classification Sherloc (09022015). Collection method: clinical testing. Allele origin: germline.
Comment: This sequence change replaces threonine, which is neutral and polar, with isoleucine, which is neutral and non-polar, at codon 380 of the ATIC protein (p.Thr380Ile). This variant is present in population databases (rs111571378, gnomAD 0.2%). This variant has not been reported in the literature in individuals affected with ATIC-related conditions. Advanced modeling of protein sequence and biophysical properties (such as structural, functional, and spatial information, amino acid conservation, physicochemical variation, residue mobility, and thermodynamic stability) performed at Invitae indicates that this missense variant is not expected to disrupt ATIC protein function. In summary, the available evidence is currently insufficient to determine the role of this variant in disease. Therefore, it has been classified as a Variant of Uncertain Significance.